The following is an entry in ClinVar:

ClinVar aggregate classification (germline): Pathogenic/Likely pathogenic. Review status: criteria provided, multiple submitters, no conflicts (2 of 4 stars). 3 submissions from 3 submitters: Pathogenic (1); Likely pathogenic (2). Last evaluated 2024-03-27.

Conditions:
Familial hypokalemia-hypomagnesemia (GTLMNS). Also called: HYPOMAGNESEMIA-HYPOKALEMIA, PRIMARY RENOTUBULAR, WITH HYPOCALCIURIA; POTASSIUM AND MAGNESIUM DEPLETION; gitelman syndrome. Identifiers: Orphanet 358, MedGen C0268450, MONDO:0009904, OMIM 263800.

Allele frequency attached by ClinVar (database versions not stated): gnomAD 0.00001; gnomAD exomes 0.00001; ExAC 0.00002.
gnomAD v4.1: 2 of 1,613,858 alleles (0.00012%); highest among the groups gnomAD compares: East Asian, 0.0045%; no homozygotes.

Submissions (3):

Fulgent Genetics
Classification: Likely pathogenic for Familial hypokalemia-hypomagnesemia. Last evaluated: 2024-03-27. Review status: criteria provided, single submitter. Criteria: ACMG Guidelines, 2015. Collection method: clinical testing. Allele origin: germline.

Labcorp Genetics (formerly Invitae), Labcorp
Classification: Likely pathogenic. Last evaluated: 2022-02-27. Review status: criteria provided, single submitter. Criteria: Invitae Variant Classification Sherloc (09022015). Collection method: clinical testing. Allele origin: germline.
Comment: This sequence change replaces asparagine, which is neutral and polar, with lysine, which is basic and polar, at codon 442 of the SLC12A3 protein (p.Asn442Lys). In summary, the currently available evidence indicates that the variant is pathogenic, but additional data are needed to prove that conclusively. Therefore, this variant has been classified as Likely Pathogenic. Advanced modeling of protein sequence and biophysical properties (such as structural, functional, and spatial information, amino acid conservation, physicochemical variation, residue mobility, and thermodynamic stability) performed at Invitae indicates that this missense variant is not expected to disrupt SLC12A3 protein function. This missense change has been observed in individual(s) with Gitelman syndrome (PMID: 18581727, 33024574). In at least one individual the data is consistent with being in trans (on the opposite chromosome) from a pathogenic variant. This variant is present in population databases (rs775232139, gnomAD 0.01%).

Juno Genomics, Hangzhou Juno Genomics, Inc
Classification: Pathogenic for Familial hypokalemia-hypomagnesemia. Review status: criteria provided, single submitter. Criteria: ACMG Guidelines, 2015. Collection method: clinical testing. Allele origin: germline.
Comment: Absent from controls (or at extremely low frequency if recessive) in Genome Aggregation Database.;For recessive disorders, detected in trans with a pathogenic variant.;Patient's phenotype or family history is highly specific for a disease with a single genetic etiology.

Literature cited by the submitters: PubMed 18581727 (cited by Labcorp Genetics (formerly Invitae), Labcorp); PubMed 33024574 (cited by Labcorp Genetics (formerly Invitae), Labcorp).

NM_001126108.2(SLC12A3):c.1326C>G (p.Asn442Lys)

Gene: SLC12A3 (solute carrier family 12 member 3; plus strand). Cytogenetic location: 16q13.
Variant type: single nucleotide variant.
Coding change: c.1326C>G on transcript NM_001126108.2 (MANE Select); coding-DNA position 1326, C replaced by G.
Protein change: p.Asn442Lys; replaces asparagine 442 with lysine.
Molecular consequence: missense variant.
Genome position (GRCh38, 1-based): chr16:56,879,218, C>G. VCF-style: chr16-56879218-C-G. GRCh37 (hg19) VCF-style: chr16-56913130-C-G.
Other names: c.1326C>G, p.Asn442Lys (NM_000339.3); c.1323C>G, p.Asn441Lys (NM_001126107.2); short protein forms N442K, N441K.
Identifiers: ClinVar variation 1497328 (VCV001497328.10), dbSNP rs775232139, ClinGen allele CA8069421.
Genomic context (GRCh38, chr16:56,879,218, plus strand): 5'-CTATGGCTGGAACTTCACCGAGTGCACCCAGCAGCACAGCTGCCACTACGGCCTCATCAA[C>G]TATTACCAGGTACTGCCAGGAGAGCTGACCCACCAGACACAGTGGGGGCTGGGTGGAGGC-3'
Protein context (NP_001119580.2, residues 432-452): QQHSCHYGLI[Asn442Lys]YYQTMSMVSG